The following is an entry in ClinVar:

NM_198578.4(LRRK2):c.5025C>G (p.Asp1675Glu)

Gene: LRRK2 (leucine rich repeat kinase 2; plus strand). Cytogenetic location: 12q12.
Variant type: single nucleotide variant.
Coding change: c.5025C>G on transcript NM_198578.4 (MANE Select); coding-DNA position 5025, C replaced by G.
Protein change: p.Asp1675Glu; replaces aspartic acid 1675 with glutamic acid.
Molecular consequence: missense variant.
Genome position (GRCh38, 1-based): chr12:40,321,043, C>G. VCF-style: chr12-40321043-C-G. GRCh37 (hg19) VCF-style: chr12-40714845-C-G.
Other names: short protein forms D1675E.
Identifiers: ClinVar variation 3540665 (VCV003540665.1).

ClinVar aggregate classification (germline): Uncertain significance (1 of 4 stars; one submission).

Conditions:
Inborn genetic diseases. Identifiers: MedGen C0950123, MeSH D030342.

gnomAD v4.1: 2 of 1,612,584 alleles (0.00012%); highest among the groups gnomAD compares: South Asian, 0.0022%; no homozygotes.

Submission:

Ambry Genetics
Classification: Uncertain significance for Inborn genetic diseases. Last evaluated: 2024-09-08. Review status: criteria provided, single submitter. Criteria: Ambry Variant Classification Scheme 2023. Collection method: clinical testing. Allele origin: germline.
Comment: The p.D1675E variant (also known as c.5025C>G), located in coding exon 35 of the LRRK2 gene, results from a C to G substitution at nucleotide position 5025. The aspartic acid at codon 1675 is replaced by glutamic acid, an amino acid with highly similar properties. This amino acid position is conserved. In addition, this alteration is predicted to be tolerated by in silico analysis. Based on the available evidence, the clinical significance of this variant remains unclear.